The following is an entry in ClinVar:

NM_000059.4(BRCA2):c.1947_1948del (p.Gln649_Asn650insTer)

Gene: BRCA2 (BRCA2 DNA repair associated; plus strand). Cytogenetic location: 13q13.1.
Variant type: Deletion.
Coding change: c.1947_1948del on transcript NM_000059.4 (MANE Select); coding-DNA positions 1947 to 1948, 2 bases deleted (GA; older notation c.1947_1948delGA).
Protein change: p.Gln649_Asn650insTer.
Molecular consequence: frameshift variant. On other transcripts: non-coding transcript variant (1), intron variant (2).
Genome position (GRCh38, 1-based): chr13:32,336,302-32,336,303, GA deleted; deleting any 2 consecutive bases within chr13:32,336,301-32,336,303 gives the same sequence; the c. name uses the placement nearest the transcript's 3' end. VCF-style (leftmost placement, unchanged base first): chr13-32336300-CAG-C. GRCh37 (hg19) VCF-style: chr13-32910437-CAG-C.
Other names: c.1947_1948del, p.Gln649_Asn650insTer (NM_001406719.1, NM_001406720.1, NM_001432077.1); c.1909+2915_1909+2916del (NM_001406721.1); c.424+5272_424+5273del (NM_001406722.1).
Identifiers: ClinVar variation 4867773 (VCV004867773.1).

ClinVar aggregate classification (germline): Pathogenic (1 of 4 stars; one submission).

Conditions:
Hereditary cancer-predisposing syndrome. Also called: Neoplastic Syndromes, Hereditary; Tumor predisposition; Hereditary Cancer Syndrome; Hereditary neoplastic syndrome. Identifiers: Orphanet 140162, MedGen C0027672, MeSH D009386, MONDO:0015356.

Submission:

Ambry Genetics
Classification: Pathogenic for Hereditary cancer-predisposing syndrome. Last evaluated: 2026-03-17. Review status: criteria provided, single submitter. Criteria: Ambry Variant Classification Scheme 2023. Collection method: clinical testing. Allele origin: germline.
Comment: The c.1947_1948delGA pathogenic mutation, located in coding exon 10 of the BRCA2 gene, results from a deletion of two nucleotides at nucleotide positions 1947 to 1948, causing a translational frameshift with a predicted alternate stop codon (p.N650*). This variant is considered to be rare based on population cohorts in the Genome Aggregation Database (gnomAD). This alteration is expected to result in loss of function by premature protein truncation or nonsense-mediated mRNA decay. As such, this alteration is interpreted as a disease-causing mutation.